The following is an entry in ClinVar:

ClinVar aggregate classification (germline): Uncertain significance (1 of 4 stars; one submission).

Submission:

Labcorp Genetics (formerly Invitae), Labcorp
Classification: Uncertain significance. Last evaluated: 2022-11-01. Review status: criteria provided, single submitter. Criteria: Invitae Variant Classification Sherloc (09022015). Collection method: clinical testing. Allele origin: germline.
Comment: This variant has not been reported in the literature in individuals affected with PRDM13-related conditions. This variant is not present in population databases (gnomAD no frequency). This variant, c.1062_1070del, results in the deletion of 3 amino acid(s) of the PRDM13 protein (p.His355_His357del), but otherwise preserves the integrity of the reading frame. Experimental studies and prediction algorithms are not available or were not evaluated, and the functional significance of this variant is currently unknown. In summary, the available evidence is currently insufficient to determine the role of this variant in disease. Therefore, it has been classified as a Variant of Uncertain Significance.

NM_021620.4(PRDM13):c.1053TCACCACCA[1] (p.His355_His357del)

Genes: PRDM13 (PR/SET domain 13; plus strand), LOC129996881 (ATAC-STARR-seq lymphoblastoid silent region 17422; plus strand). Cytogenetic location: 6q16.2.
Variant type: Microsatellite.
Coding change: c.1053TCACCACCA[1] on transcript NM_021620.4 (MANE Select); one copy of the 9-base unit TCACCACCA starting at c.1053; the reference has two copies in a row; one copy, 9 bases deleted.
Protein change: p.His355_His357del.
Molecular consequence: inframe deletion.
Genome position (GRCh38, 1-based): chr6:99,613,697-99,613,705, TCACCACCA deleted; deleting any 9 consecutive bases within chr6:99,613,688-99,613,705 gives the same sequence; the position shown is the placement nearest the transcript's 3' end. VCF-style (leftmost placement, unchanged base first): chr6-99613687-GTCACCACCA-G. GRCh37 (hg19) VCF-style: chr6-100061563-GTCACCACCA-G.
Identifiers: ClinVar variation 1524798 (VCV001524798.8), dbSNP rs2114500350, ClinGen allele CA2531993615.